The following is an entry in ClinVar:

ClinVar aggregate classification (germline): Uncertain significance (1 of 4 stars; one submission).

Allele frequency attached by ClinVar (database versions not stated): TOPMed below 0.00001; gnomAD 0.00001; ESP Exome Variant Server 0.00008.
gnomAD v4.1: 1 of 1,614,046 alleles (0.000062%); highest among the groups gnomAD compares: African/African-American, 0.0013%; no homozygotes.

Submission:

GeneDx
Classification: Uncertain significance. Last evaluated: 2023-02-22. Review status: criteria provided, single submitter. Criteria: GeneDx Variant Classification Process June 2021. Collection method: clinical testing. Allele origin: germline. Affected: yes.
Comment: Not observed at significant frequency in large population cohorts (gnomAD); In silico analysis supports that this missense variant has a deleterious effect on protein structure/function; Has not been previously published as pathogenic or benign to our knowledge; This variant is associated with the following publications: (PMID: 26100331, 25512093, 25609763)

NM_001376.5(DYNC1H1):c.10058A>G (p.Asn3353Ser)

Gene: DYNC1H1 (dynein cytoplasmic 1 heavy chain 1; plus strand). Cytogenetic location: 14q32.31.
Variant type: single nucleotide variant.
Coding change: c.10058A>G on transcript NM_001376.5 (MANE Select); coding-DNA position 10058, A replaced by G.
Protein change: p.Asn3353Ser; replaces asparagine 3353 with serine.
Molecular consequence: missense variant.
Genome position (GRCh38, 1-based): chr14:102,032,446, A>G. VCF-style: chr14-102032446-A-G. GRCh37 (hg19) VCF-style: chr14-102498783-A-G.
Other names: short protein forms N3353S.
Identifiers: ClinVar variation 2577670 (VCV002577670.1), dbSNP rs372187488, ClinGen allele CA266968565.